The following is an entry in ClinVar:

NM_002230.4(JUP):c.682A>G (p.Ile228Val)

Gene: JUP (junction plakoglobin; minus strand). Cytogenetic location: 17q21.2.
Variant type: single nucleotide variant.
Coding change: c.682A>G on transcript NM_002230.4 (MANE Select); coding-DNA position 682, A replaced by G.
Protein change: p.Ile228Val; replaces isoleucine 228 with valine.
Molecular consequence: missense variant.
Genome position (GRCh38, 1-based): chr17:41,768,994, T>C on the plus strand (A>G on the coding strand, the complement: JUP is on the minus strand). VCF-style: chr17-41768994-T-C. GRCh37 (hg19) VCF-style: chr17-39925246-T-C.
Other names: c.682A>G, p.Ile228Val (NM_001352773.2, NM_001352774.2, NM_001352775.2 and 3 more transcripts); c.682A>G (NM_021991.2); short protein forms I228V.
Identifiers: ClinVar variation 663602 (VCV000663602.14), dbSNP rs374566089, ClinGen allele CA8565414.

ClinVar aggregate classification (germline): Conflicting classifications of pathogenicity. Review status: criteria provided, conflicting classifications (1 of 4 stars). 5 submissions from 5 submitters: Uncertain significance (4); Likely benign (1). Last evaluated 2026-01-26.

Conditions:
Cardiovascular phenotype. Identifiers: MedGen CN230736.
Arrhythmogenic right ventricular dysplasia 12. Also called: ARRHYTHMOGENIC RIGHT VENTRICULAR DYSPLASIA, FAMILIAL, 12. Identifiers: MedGen C1969081, MONDO:0012684, OMIM 611528.
Naxos disease (NXD). Also called: WOOLLY HAIR, PALMOPLANTAR KERATODERMA, AND CARDIAC ABNORMALITIES; CARDIOMYOPATHY, ARRHYTHMOGENIC RIGHT VENTRICULAR, WITH SKIN, HAIR, AND NAIL ABNORMALITIES; KERATOSIS PALMOPLANTARIS WITH ARRHYTHMOGENIC CARDIOMYOPATHY; MAL DE NAXOS; PALMOPLANTAR KERATODERMA WITH ARRHYTHMOGENIC RIGHT VENTRICULAR CARDIOMYOPATHY AND WOOLLY HAIR. Identifiers: Orphanet 34217, MedGen C1832600, MONDO:0011017, OMIM 601214.

Allele frequency attached by ClinVar (database versions not stated): gnomAD 0.00002 and 0.00003; TOPMed 0.00002; gnomAD exomes 0.00003 and 0.00006; ExAC 0.00004; ESP Exome Variant Server 0.00008.
gnomAD v4.1: 89 of 1,608,282 alleles (0.0055%); highest among the groups gnomAD compares: Non-Finnish European, 0.0069%; no homozygotes.

Submissions (5):

Labcorp Genetics (formerly Invitae), Labcorp
Classification: Uncertain significance for Arrhythmogenic right ventricular dysplasia 12; Naxos disease. Last evaluated: 2026-01-26. Review status: criteria provided, single submitter. Criteria: Invitae Variant Classification Sherloc (09022015). Collection method: clinical testing. Allele origin: germline.
Comment: This sequence change replaces isoleucine, which is neutral and non-polar, with valine, which is neutral and non-polar, at codon 228 of the JUP protein (p.Ile228Val). This variant is present in population databases (rs374566089, gnomAD 0.006%). This variant has not been reported in the literature in individuals affected with JUP-related conditions. ClinVar contains an entry for this variant (Variation ID: 663602). An algorithm developed to predict the effect of missense changes on protein structure and function (PolyPhen-2) suggests that this variant is likely to be tolerated. In summary, the available evidence is currently insufficient to determine the role of this variant in disease. Therefore, it has been classified as a Variant of Uncertain Significance.

Women's Health and Genetics/Laboratory Corporation of America, LabCorp
Classification: Uncertain significance. Last evaluated: 2023-05-22. Review status: criteria provided, single submitter. Criteria: LabCorp Variant Classification Summary - May 2015. Collection method: clinical testing. Allele origin: germline.

Department of Pathology and Laboratory Medicine, Sinai Health System
Classification: Uncertain significance for Naxos disease; Arrhythmogenic right ventricular dysplasia 12. Last evaluated: 2023-02-07. Review status: criteria provided, single submitter. Criteria: ACMG Guidelines, 2015. Collection method: research. Allele origin: germline.

Ambry Genetics
Classification: Likely benign for Cardiovascular phenotype. Last evaluated: 2021-08-09. Review status: criteria provided, single submitter. Criteria: Ambry Variant Classification Scheme 2023. Collection method: clinical testing. Allele origin: germline.

GeneDx
Classification: Uncertain significance. Last evaluated: 2019-12-17. Review status: criteria provided, single submitter. Criteria: GeneDx Variant Classification Process June 2021. Collection method: clinical testing. Allele origin: germline. Affected: yes.
Comment: Has not been previously published as pathogenic or benign to our knowledge; Reported in ClinVar as a variant of uncertain significance (ClinVar Variant ID# 663602; Landrum et al., 2016); In silico analysis, which includes protein predictors and evolutionary conservation, supports that this variant does not alter protein structure/function